The following is an entry in ClinVar:

NM_012073.5(CCT5):c.*1042T>C

Gene: CCT5 (chaperonin containing TCP1 subunit 5; plus strand). Cytogenetic location: 5p15.2.
Variant type: single nucleotide variant.
Coding change: c.*1042T>C on transcript NM_012073.5 (MANE Select); 1042 bases downstream of the stop codon, T replaced by C.
Molecular consequence: 3 prime UTR variant.
Genome position (GRCh38, 1-based): chr5:10,265,825, T>C. VCF-style: chr5-10265825-T-C. GRCh37 (hg19) VCF-style: chr5-10265937-T-C.
Other names: c.*1042T>C (NM_001306153.1, NM_001306154.2, NM_001306155.2 and 1 more transcripts).
Identifiers: ClinVar variation 350285 (VCV000350285.5), dbSNP rs376234447, ClinGen allele CA10622166.

ClinVar aggregate classification (germline): Likely benign (1 of 4 stars; one submission).

Conditions:
Hereditary sensory and autonomic neuropathy with spastic paraplegia (HSNSP). Identifiers: Orphanet 139578, MedGen C1850395, MONDO:0009748, OMIM 256840.

Allele frequency attached by ClinVar (database versions not stated): gnomAD 0.00051 and 0.00089; TOPMed 0.00061; 1000 Genomes Project 30x 0.00234; 1000 Genomes Project 0.00300.

Submission:

Illumina Laboratory Services, Illumina
Classification: Likely benign for Hereditary sensory and autonomic neuropathy with spastic paraplegia. Last evaluated: 2018-01-12. Review status: criteria provided, single submitter. Criteria: ICSL Variant Classification Criteria 13 December 2019. Collection method: clinical testing. Allele origin: germline.
Comment: This variant was observed in the ICSL laboratory as part of a predisposition screen in an ostensibly healthy population. It had not been previously curated by ICSL or reported in the Human Gene Mutation Database (HGMD: prior to June 1st, 2018), and was therefore a candidate for classification through an automated scoring system. Utilizing variant allele frequency, disease prevalence and penetrance estimates, and inheritance mode, an automated score was calculated to assess if this variant is too frequent to cause the disease. Based on the score and internal cut-off values, a variant classified as likely benign is not then subjected to further curation. The score for this variant resulted in a classification of likely benign for this disease.